The following is an entry in ClinVar:

NM_002203.4(ITGA2):c.*682A>G

Gene: ITGA2 (integrin subunit alpha 2; plus strand). Cytogenetic location: 5q11.2.
Variant type: single nucleotide variant.
Coding change: c.*682A>G on transcript NM_002203.4 (MANE Select); 682 bases downstream of the stop codon, A replaced by G.
Molecular consequence: 3 prime UTR variant. On other transcripts: non-coding transcript variant (5).
Genome position (GRCh38, 1-based): chr5:53,091,281, A>G. VCF-style: chr5-53091281-A-G. GRCh37 (hg19) VCF-style: chr5-52387111-A-G.
Identifiers: ClinVar variation 908014 (VCV000908014.4), dbSNP rs3212650, ClinGen allele CA118880140.

ClinVar aggregate classification (germline): Benign (1 of 4 stars; one submission).

Conditions:
Platelet-type bleeding disorder 9 (BDPLT9). Also called: GLYCOPROTEIN Ia DEFICIENCY; GP Ia DEFICIENCY; COLLAGEN PLATELET RECEPTOR DEFICIENCY. Identifiers: Orphanet 73271, Orphanet 98886, MedGen C3280114, MONDO:0013622, OMIM 614200.

Allele frequency attached by ClinVar (database versions not stated): 1000 Genomes Project 0.00359; TOPMed 0.00447; gnomAD 0.00462 and 0.00495; 1000 Genomes Project 30x 0.00468.

Submission:

Illumina Laboratory Services, Illumina
Classification: Benign for Platelet-type bleeding disorder 9. Last evaluated: 2018-01-13. Review status: criteria provided, single submitter. Criteria: ICSL Variant Classification Criteria 13 December 2019. Collection method: clinical testing. Allele origin: germline.
Comment: This variant was observed in the ICSL laboratory as part of a predisposition screen in an ostensibly healthy population. It had not been previously curated by ICSL or reported in the Human Gene Mutation Database (HGMD: prior to June 1st, 2018), and was therefore a candidate for classification through an automated scoring system. Utilizing variant allele frequency, disease prevalence and penetrance estimates, and inheritance mode, an automated score was calculated to assess if this variant is too frequent to cause the disease. Based on the score and internal cut-off values, a variant classified as benign is not then subjected to further curation. The score for this variant resulted in a classification of benign for this disease.